The following is an entry in ClinVar:

ClinVar aggregate classification (germline): Uncertain significance (1 of 4 stars; one submission).

Submission:

Dasa
Classification: Uncertain significance. Last evaluated: 2025-07-03. Review status: criteria provided, single submitter. Criteria: DASA Assertion Criteria. Collection method: clinical testing. Allele origin: germline.
Comment: NM_000393.5(COL5A2):c.1276G>A (p.Gly426Ser) is a missense variant that results in the substitution of glycine with serine. This variant is absent from population databases. Computational prediction algorithms are consistent with a deleterious effect. The currently available literature and clinical evidence are not sufficient to establish a definitive association between this variant and the reported condition. Therefore, this variant is classified as a variant of uncertain significance.

NM_000393.5(COL5A2):c.1276G>A (p.Gly426Ser)

Gene: COL5A2 (collagen type V alpha 2 chain; minus strand). Cytogenetic location: 2q32.2.
Variant type: single nucleotide variant.
Coding change: c.1276G>A on transcript NM_000393.5 (MANE Select); coding-DNA position 1276, G replaced by A.
Protein change: p.Gly426Ser; replaces glycine 426 with serine.
Molecular consequence: missense variant.
Genome position (GRCh38, 1-based): chr2:189,068,252, C>T on the plus strand (G>A on the coding strand, the complement: COL5A2 is on the minus strand). VCF-style: chr2-189068252-C-T. GRCh37 (hg19) VCF-style: chr2-189932978-C-T.
Other names: short protein forms G426S.
Identifiers: ClinVar variation 4881994 (VCV004881994.2).